The following is an entry in ClinVar:

NM_182504.4(TMEM270):c.155A>G (p.Gln52Arg)

Gene: TMEM270 (transmembrane protein 270; plus strand). Cytogenetic location: 7q11.23.
Variant type: single nucleotide variant.
Coding change: c.155A>G on transcript NM_182504.4 (MANE Select); coding-DNA position 155, A replaced by G.
Protein change: p.Gln52Arg; replaces glutamine 52 with arginine.
Molecular consequence: missense variant.
Genome position (GRCh38, 1-based): chr7:73,865,075, A>G. VCF-style: chr7-73865075-A-G. GRCh37 (hg19) VCF-style: chr7-73279405-A-G.
Other names: short protein forms Q52R.
Identifiers: ClinVar variation 3388115 (VCV003388115.14).

ClinVar aggregate classification (germline): Benign (1 of 4 stars; one submission).

gnomAD v4.1: 2,038 of 1,544,580 alleles (0.13%); highest among the groups gnomAD compares: Admixed American, 1.2%; 20 homozygotes.

Submission:

CeGaT Center for Human Genetics Tuebingen
Classification: Benign. Last evaluated: 2026-07-01. Review status: criteria provided, single submitter. Criteria: CeGaT Center For Human Genetics Tuebingen Variant Classification Criteria Version 2. Collection method: clinical testing. Allele origin: germline. Affected: yes. Observed: 8 variant alleles.
Comment: TMEM270: BP4, BS1, BS2